The following is an entry in ClinVar:

ClinVar aggregate classification (germline): Pathogenic (1 of 4 stars; one submission).

Conditions:
Biotinidase deficiency. Also called: BTD deficiency; Late-onset biotin-responsive multiple carboxylase deficiency; Biotin deficiency. Identifiers: Orphanet 79241, MedGen C0220754, MONDO:0009665, OMIM 253260.

Submission:

Victorian Clinical Genetics Services, Murdoch Childrens Research Institute
Classification: Pathogenic for Biotinidase deficiency. Last evaluated: 2025-09-11. Review status: criteria provided, single submitter. Criteria: ACMG Guidelines, 2015. Collection method: clinical testing. Allele origin: germline.
Comment: This variant is classified as Pathogenic. Evidence in support of pathogenic classification: Variant is predicted to result in a truncated protein (premature termination codon is NOT located at least 54 nucleotides upstream of the final exon-exon junction) with less than 1/3 of the protein sequence affected; Variant is absent from gnomAD (v2, v3 and v4); Other protein-truncating variant(s) comparable to the one identified in this case have very strong previous evidence for pathogenicity. p.(Tyr499fs), p.(Phe500fs) and p.(Tyr516fs) have been classified as likely pathogenic and pathogenic by clinical laboratories in ClinVar. In addition, p.(Tyr499Ter) has been reported in the literature in a homozygous infant with biotinidase deficiency (PMID: 23481307). Additional information: This variant is heterozygous; This gene is associated with autosomal recessive disease; This variant has no previous evidence of pathogenicity; No published evidence of segregation with disease has been identified for this variant; No published functional evidence has been identified for this variant; Loss of function is a known mechanism of disease in this gene and is associated with biotinidase deficiency (MIM#253260); Variants in this gene are known to have variable expressivity. The condition associated with this gene is known to range from partial, with milder symptoms and later onset, to profound, with more severe symptoms and earlier onset. Also, individuals with the same genotype have been observed to have different clinical and biochemical phenotypes (PMIDs: 20301497, 28498829); Heterozygous variant detected in trans with a second PATHOGENIC heterozygous variant (NM_001370658.1(BTD):c.1270G>C; p.(Asp424His)) in a recessive disease.

Literature cited by the submitters: PubMed 20301497; PubMed 23481307; PubMed 28498829.

NM_001370658.1(BTD):c.1471C>T (p.Gln491Ter)

Gene: BTD (biotinidase; plus strand). Cytogenetic location: 3p25.1.
Variant type: single nucleotide variant.
Coding change: c.1471C>T on transcript NM_001370658.1 (MANE Select); coding-DNA position 1471, C replaced by T.
Protein change: p.Gln491Ter; replaces glutamine 491 with a stop codon.
Molecular consequence: nonsense. On other transcripts: intron variant (8).
Genome position (GRCh38, 1-based): chr3:15,645,387, C>T. VCF-style: chr3-15645387-C-T. GRCh37 (hg19) VCF-style: chr3-15686894-C-T.
Other names: c.1471C>T, p.Gln491Ter (NM_001281723.4, NM_001281724.3, NM_001281725.3 and 16 more transcripts); c.1015+456C>T (NM_001370752.1, NM_001407379.1); c.399+3330C>T (NM_001370753.1, NM_001407400.1, NM_001407401.1 and 3 more transcripts); short protein forms Q491*.
Identifiers: ClinVar variation 4531878 (VCV004531878.1).